The following is an entry in ClinVar:

NM_002292.4(LAMB2):c.2364_2393del (p.Gln788_Pro797del)

Gene: LAMB2 (laminin subunit beta 2; minus strand). Cytogenetic location: 3p21.31.
Variant type: Deletion.
Coding change: c.2364_2393del on transcript NM_002292.4 (MANE Select); coding-DNA positions 2364 to 2393, 30 bases deleted (AGGTTCACTGAGTTCTGAGTGCAACCCTCA).
Protein change: p.Gln788_Pro797del.
Molecular consequence: inframe deletion.
Genome position (GRCh38, 1-based): chr3:49,125,842-49,125,871, TGAGGGTTGCACTCAGAACTCAGTGAACCT deleted on the plus strand (AGGTTCACTGAGTTCTGAGTGCAACCCTCA on the coding strand, the reverse complement: LAMB2 is on the minus strand); deleting any 30 consecutive bases within chr3:49,125,842-49,125,884 gives the same sequence; the c. name uses the placement nearest the transcript's 3' end. VCF-style (leftmost placement, unchanged base first): chr3-49125841-ATGAGGGTTGCACTCAGAACTCAGTGAACCT-A. GRCh37 (hg19) VCF-style: chr3-49163274-ATGAGGGTTGCACTCAGAACTCAGTGAACCT-A.
Identifiers: ClinVar variation 1350029 (VCV001350029.6), dbSNP rs2107640007, ClinGen allele CA2573137067.

ClinVar aggregate classification (germline): Uncertain significance (1 of 4 stars; one submission).

Conditions:
Pierson syndrome. Also called: MICROCORIA-CONGENITAL NEPHROTIC SYNDROME. Identifiers: Orphanet 2670, MedGen C1836876, MONDO:0012184, OMIM 609049.
LAMB2-related infantile-onset nephrotic syndrome. Also called: NEPHROTIC SYNDROME, TYPE 5, WITHOUT OCULAR ABNORMALITIES; NEPHROTIC SYNDROME, TYPE 5, WITH OCULAR ABNORMALITIES; Nephrotic Syndrome, type 5. Identifiers: Orphanet 306507, MedGen C3280113, MONDO:0013621, OMIM 614199.

Submission:

Labcorp Genetics (formerly Invitae), Labcorp
Classification: Uncertain significance for LAMB2-related infantile-onset nephrotic syndrome; Pierson syndrome. Last evaluated: 2023-05-23. Review status: criteria provided, single submitter. Criteria: Invitae Variant Classification Sherloc (09022015). Collection method: clinical testing. Allele origin: germline.
Comment: This variant, c.2364_2393del, results in the deletion of 10 amino acid(s) of the LAMB2 protein (p.Gln788_Pro797del), but otherwise preserves the integrity of the reading frame. This variant is not present in population databases (gnomAD no frequency). This variant has not been reported in the literature in individuals affected with LAMB2-related conditions. ClinVar contains an entry for this variant (Variation ID: 1350029). Experimental studies and prediction algorithms are not available or were not evaluated, and the functional significance of this variant is currently unknown. In summary, the available evidence is currently insufficient to determine the role of this variant in disease. Therefore, it has been classified as a Variant of Uncertain Significance.